The following is an entry in ClinVar:

NM_001374736.1(DST):c.5194_5195del (p.Leu1732fs)

Gene: DST (dystonin; minus strand). Cytogenetic location: 6p12.1.
Variant type: Microsatellite.
Coding change: c.5194_5195del on transcript NM_001374736.1 (MANE Select); coding-DNA positions 5194 to 5195, 2 bases deleted (CT; older notation c.5194_5195delCT).
Protein change: p.Leu1732fs; shifts the reading frame from leucine 1732.
Molecular consequence: frameshift variant.
Genome position (GRCh38, 1-based): chr6:56,610,515-56,610,516, AG deleted on the plus strand (CT on the coding strand, the reverse complement: DST is on the minus strand); deleting any 2 consecutive bases within chr6:56,610,515-56,610,518 gives the same sequence; the c. name uses the placement nearest the transcript's 3' end. VCF-style (leftmost placement, unchanged base first): chr6-56610514-AAG-A. GRCh37 (hg19) VCF-style: chr6-56475312-AAG-A.
Other names: c.5095_5096del, p.Leu1699fs (NM_001144769.5); c.4681_4682del, p.Leu1561fs (NM_001144770.2); c.5194_5195del, p.Leu1732fs (NM_001374722.1); c.4561_4562del, p.Leu1521fs (NM_001374729.1, NM_001374730.1, NM_001386100.1 and 1 more transcripts); c.5221_5222del, p.Leu1741fs (NM_001374734.1); c.3583_3584del, p.Leu1195fs (NM_015548.5); short protein forms L1195fs, L1699fs, L1741fs, L1561fs, L1732fs, L1521fs.
Identifiers: ClinVar variation 2942493 (VCV002942493.3), dbSNP rs2536477168, ClinGen allele CA1089309642.

ClinVar aggregate classification (germline): Pathogenic (1 of 4 stars; one submission).

Conditions:
Epidermolysis bullosa simplex 3, localized or generalized intermediate, with BP230 deficiency (EBS3). Also called: Epidermolysis bullosa simplex, autosomal recessive 2; Epidermolysis bullosa simplex due to BP230 deficiency. Identifiers: Orphanet 412181, MedGen C3809470, MONDO:0014180, OMIM 615425.
Hereditary sensory and autonomic neuropathy type 6. Also called: HSAN VI; Neuropathy, hereditary sensory and autonomic, type VI. Identifiers: Orphanet 314381, MedGen C3539003, MONDO:0013839, OMIM 614653.

Submission:

Labcorp Genetics (formerly Invitae), Labcorp
Classification: Pathogenic for Epidermolysis bullosa simplex 3, localized or generalized intermediate, with BP230 deficiency; Hereditary sensory and autonomic neuropathy type 6. Last evaluated: 2022-12-20. Review status: criteria provided, single submitter. Criteria: Invitae Variant Classification Sherloc (09022015). Collection method: clinical testing. Allele origin: germline.
Comment: The DST gene has multiple clinically relevant transcripts. This variant occurs in alternate transcript NM_015548.4, and corresponds to NM_001723.5:c.*5001_*5002del in the primary transcript. This sequence change creates a premature translational stop signal (p.Leu1195Serfs*5) in the DST gene. It is expected to result in an absent or disrupted protein product. Loss-of-function variants in DST are known to be pathogenic (PMID: 22522446, 25059916, 30371979). This variant is not present in population databases (gnomAD no frequency). This variant has not been reported in the literature in individuals affected with DST-related conditions. For these reasons, this variant has been classified as Pathogenic.

Literature cited by the submitters: PubMed 22522446; PubMed 25059916; PubMed 30371979.